The following is an entry in ClinVar:

NM_001204.7(BMPR2):c.1775A>G (p.Gln592Arg)

Gene: BMPR2 (bone morphogenetic protein receptor type 2; plus strand). Cytogenetic location: 2q33.2.
Variant type: single nucleotide variant.
Coding change: c.1775A>G on transcript NM_001204.7 (MANE Select); coding-DNA position 1775, A replaced by G.
Protein change: p.Gln592Arg; replaces glutamine 592 with arginine.
Molecular consequence: missense variant.
Genome position (GRCh38, 1-based): chr2:202,555,440, A>G. VCF-style: chr2-202555440-A-G. GRCh37 (hg19) VCF-style: chr2-203420163-A-G.
Other names: short protein forms Q592R.
Identifiers: ClinVar variation 3992221 (VCV003992221.1).
Genomic context (GRCh38, chr2:202,555,440, plus strand): 5'-TGTCCAGCACACCTTTGACTATAGGGGAAAAAAACCGAAATTCAATTAACTATGAACGAC[A>G]GCAAGCACAAGCTCGAATCCCCAGCCCTGAAACAAGTGTCACCAGCCTCTCCACCAACAC-3'
Protein context (NP_001195.2, residues 582-602): KNRNSINYER[Gln592Arg]QAQARIPSPE

ClinVar aggregate classification (germline): Uncertain significance (1 of 4 stars; one submission).

Conditions:
Inborn genetic diseases. Identifiers: MedGen C0950123, MeSH D030342.

gnomAD v4.1: 1 of 1,614,232 alleles (0.000062%); highest among the groups gnomAD compares: Non-Finnish European, 0.000085%; no homozygotes.

Submission:

Ambry Genetics
Classification: Uncertain significance for Inborn genetic diseases. Last evaluated: 2025-06-06. Review status: criteria provided, single submitter. Criteria: Ambry Variant Classification Scheme 2023. Collection method: clinical testing. Allele origin: germline.
Comment: The p.Q592R variant (also known as c.1775A>G), located in coding exon 12 of the BMPR2 gene, results from an A to G substitution at nucleotide position 1775. The glutamine at codon 592 is replaced by arginine, an amino acid with highly similar properties. This amino acid position is conserved. In addition, this alteration is predicted to be deleterious by in silico analysis. Based on the available evidence, the clinical significance of this variant remains unclear.